The following is an entry in ClinVar:

ClinVar aggregate classification (germline): Uncertain significance (1 of 4 stars; one submission).

Submission:

Labcorp Genetics (formerly Invitae), Labcorp
Classification: Uncertain significance. Last evaluated: 2023-07-12. Review status: criteria provided, single submitter. Criteria: Invitae Variant Classification Sherloc (09022015). Collection method: clinical testing. Allele origin: germline.
Comment: This sequence change replaces glutamic acid, which is acidic and polar, with lysine, which is basic and polar, at codon 283 of the FAM111A protein (p.Glu283Lys). This variant is not present in population databases (gnomAD no frequency). This variant has not been reported in the literature in individuals affected with FAM111A-related conditions. Advanced modeling of protein sequence and biophysical properties (such as structural, functional, and spatial information, amino acid conservation, physicochemical variation, residue mobility, and thermodynamic stability) performed at Invitae indicates that this missense variant is not expected to disrupt FAM111A protein function. In summary, the available evidence is currently insufficient to determine the role of this variant in disease. Therefore, it has been classified as a Variant of Uncertain Significance.

NM_001312909.2(FAM111A):c.847G>A (p.Glu283Lys)

Gene: FAM111A (FAM111 trypsin like peptidase A; plus strand). Cytogenetic location: 11q12.1.
Variant type: single nucleotide variant.
Coding change: c.847G>A on transcript NM_001312909.2 (MANE Select); coding-DNA position 847, G replaced by A.
Protein change: p.Glu283Lys; replaces glutamic acid 283 with lysine.
Molecular consequence: missense variant.
Genome position (GRCh38, 1-based): chr11:59,152,515, G>A. VCF-style: chr11-59152515-G-A. GRCh37 (hg19) VCF-style: chr11-58919988-G-A.
Other names: c.847G>A, p.Glu283Lys (NM_001142519.3, NM_001142520.3, NM_001142521.3 and 29 more transcripts); short protein forms E283K.
Identifiers: ClinVar variation 2879238 (VCV002879238.3), dbSNP rs1861823827, ClinGen allele CA380778112.
Genomic context (GRCh38, chr11:59,152,515, plus strand): 5'-TACTTTCAGGTTGAGGTTGAGAAAAGAATGGTCCCCAGTGCAGCAGCTTCTCAGAATCCT[G>A]AGTCAGAGAAAAGAAACACCTGTGTGTTGAGAGAACAAATCGTGGCTCAGTACCCCAGTT-3'
Protein context (NP_001299838.1, residues 273-293): VPSAAASQNP[Glu283Lys]SEKRNTCVLR